The following is an entry in ClinVar:

NC_000007.14:g.141778479A>G

Genes: SSBP1 (single stranded DNA binding protein 1; plus strand), TAS2R4 (taste 2 receptor member 4; plus strand). Cytogenetic location: 7q34.
Variant type: single nucleotide variant.
Molecular consequence: 5 prime UTR variant (on NM_016944.2).
Genome position: GRCh38 VCF-style: chr7-141778479-A-G. GRCh37 (hg19) VCF-style: chr7-141478279-A-G.
Other names: c.-10A>G (NM_016944.2).
Identifiers: ClinVar variation 5041009 (VCV005041009.1).

ClinVar aggregate classification (germline): Likely benign (1 of 4 stars; one submission).

gnomAD v4.1: 597 of 1,599,034 alleles (0.037%); highest among the groups gnomAD compares: African/African-American, 0.54%; 4 homozygotes.

Submission:

CeGaT Center for Human Genetics Tuebingen
Classification: Likely benign. Last evaluated: 2026-09-01. Review status: criteria provided, single submitter. Criteria: CeGaT Center For Human Genetics Tuebingen Variant Classification Criteria Version 2. Collection method: clinical testing. Allele origin: germline. Affected: yes. Observed: 1 variant allele.
Comment: SSBP1: BS1